The following is an entry in ClinVar:

ClinVar aggregate classification (germline): Conflicting classifications of pathogenicity. Review status: criteria provided, conflicting classifications (1 of 4 stars). 8 submissions from 7 submitters: Uncertain significance (2); Likely benign (5). 1 of the submissions does not count toward it. Last evaluated 2026-01-27.

Conditions:
Usher syndrome type 1 (USH1). Also called: RETINITIS PIGMENTOSA AND CONGENITAL DEAFNESS. Identifiers: Orphanet 231169, Orphanet 886, MedGen C1568247, MONDO:0010168, OMIM 276900.
Autosomal recessive nonsyndromic hearing loss 12. Also called: DEAFNESS, AUTOSOMAL RECESSIVE 12. Identifiers: Orphanet 90636, MedGen C1832394, MONDO:0011067, OMIM 601386.
Usher syndrome type 1D (USH1D). Also called: USHER SYNDROME, TYPE ID. Identifiers: Orphanet 231169, Orphanet 886, MedGen C1832845, MONDO:0010984, OMIM 601067.

Allele frequency attached by ClinVar (database versions not stated): ESP Exome Variant Server 0.00024; gnomAD exomes 0.00027 and 0.00058; gnomAD 0.00031 and 0.00035; TOPMed 0.00034; ExAC 0.00049.
gnomAD v4.1: 474 of 1,613,660 alleles (0.029%); highest among the groups gnomAD compares: Admixed American, 0.078%; 3 homozygotes.

Submissions (8):

Labcorp Genetics (formerly Invitae), Labcorp
Classification: Likely benign. Last evaluated: 2026-01-27. Review status: criteria provided, single submitter. Criteria: Invitae Variant Classification Sherloc (09022015). Collection method: clinical testing. Allele origin: germline.

CeGaT Center for Human Genetics Tuebingen
Classification: Likely benign. Last evaluated: 2024-12-01. Review status: criteria provided, single submitter. Criteria: CeGaT Center For Human Genetics Tuebingen Variant Classification Criteria Version 2. Collection method: clinical testing. Allele origin: germline. Affected: yes. Observed: 3 variant alleles.
Comment: CDH23: BP4, BP7

Blueprint Genetics
Classification: Likely benign. Last evaluated: 2024-11-11. Review status: criteria provided, single submitter. Criteria: ACMG Guidelines, 2015. Collection method: clinical testing. Allele origin: germline.

GeneDx
Classification: Likely benign. Last evaluated: 2020-06-30. Review status: criteria provided, single submitter. Criteria: GeneDx Variant Classification Process June 2021. Collection method: clinical testing. Allele origin: germline. Affected: yes.

Illumina Laboratory Services, Illumina
Classification: Uncertain significance for Autosomal recessive nonsyndromic hearing loss 12. Last evaluated: 2018-01-12. Review status: criteria provided, single submitter. Criteria: ICSL Variant Classification Criteria 13 December 2019. Collection method: clinical testing. Allele origin: germline.

Illumina Laboratory Services, Illumina
Classification: Uncertain significance for Usher syndrome type 1D. Last evaluated: 2018-01-12. Review status: criteria provided, single submitter. Criteria: ICSL Variant Classification Criteria 13 December 2019. Collection method: clinical testing. Allele origin: germline.

Laboratory for Molecular Medicine, Mass General Brigham Personalized Medicine
Classification: Likely benign. Last evaluated: 2012-04-30. Review status: criteria provided, single submitter. Criteria: LMM Criteria. Collection method: clinical testing. Allele origin: germline. Observed: 1 variant allele.
Comment: Pro1977Pro in Exon 46 of CDH23: This variant is not expected to have clinical significance because it does not alter an amino acid residue, is not located within the splice consensus sequence, and has been identified in 2/6784 European American chromosomes from a broad population by the NHLBI Exome Sequencing Project.

Natera, Inc.
Classification: Benign for Usher syndrome type 1. Last evaluated: 2020-04-16. Review status: no assertion criteria provided. Collection method: clinical testing. Allele origin: germline. Not counted in ClinVar's aggregate classification.

NM_022124.6(CDH23):c.5931T>C (p.Pro1977=)

Gene: CDH23 (cadherin related 23; plus strand). Cytogenetic location: 10q22.1.
Variant type: single nucleotide variant.
Coding change: c.5931T>C on transcript NM_022124.6 (MANE Select); coding-DNA position 5931, T replaced by C.
Protein change: p.Pro1977=; no amino-acid change (proline 1977 retained).
Molecular consequence: synonymous variant.
Genome position (GRCh38, 1-based): chr10:71,790,295, T>C. VCF-style: chr10-71790295-T-C. GRCh37 (hg19) VCF-style: chr10-73550052-T-C.
Identifiers: ClinVar variation 300448 (VCV000300448.45), dbSNP rs373457993, ClinGen allele CA5545943.